The following is an entry in ClinVar:

ClinVar aggregate classification (germline): Pathogenic (1 of 4 stars; one submission).

Conditions:
Combined immunodeficiency due to DOCK8 deficiency (HIES2). Also called: HYPER-IgE SYNDROME 2, AUTOSOMAL RECESSIVE, WITH RECURRENT INFECTIONS; HIES autosomal recessive; Hyper-IgE recurrent infection syndrome, autosomal recessive; HYPER-IgE RECURRENT INFECTION SYNDROME 2, AUTOSOMAL RECESSIVE; DOCK8 Deficiency. Identifiers: Orphanet 217390, MedGen C4722305, MONDO:0009478, OMIM 243700.

Submission:

Labcorp Genetics (formerly Invitae), Labcorp
Classification: Pathogenic for Combined immunodeficiency due to DOCK8 deficiency. Last evaluated: 2025-11-26. Review status: criteria provided, single submitter. Criteria: Invitae Variant Classification Sherloc (09022015). Collection method: clinical testing. Allele origin: germline.
Comment: This sequence change creates a premature translational stop signal (p.Arg39*) in the DOCK8 gene. It is expected to result in an absent or disrupted protein product. Loss-of-function variants in DOCK8 are known to be pathogenic (PMID: 14722525, 19776401). This variant is not present in population databases (gnomAD no frequency). This variant has not been reported in the literature in individuals affected with DOCK8-related conditions. For these reasons, this variant has been classified as Pathogenic.

Literature cited by the submitters: PubMed 14722525; PubMed 19776401.

NM_203447.4(DOCK8):c.115C>T (p.Arg39Ter)

Gene: DOCK8 (dedicator of cytokinesis 8; plus strand). Cytogenetic location: 9p24.3.
Variant type: single nucleotide variant.
Coding change: c.115C>T on transcript NM_203447.4 (MANE Select); coding-DNA position 115, C replaced by T.
Protein change: p.Arg39Ter; replaces arginine 39 with a stop codon.
Molecular consequence: nonsense.
Genome position (GRCh38, 1-based): chr9:271,688, C>T. VCF-style: chr9-271688-C-T. GRCh37 (hg19) VCF-style: chr9-271688-C-T.
Other names: short protein forms R39*.
Identifiers: ClinVar variation 4700905 (VCV004700905.1).
Genomic context (GRCh38, chr9:271,688, plus strand): 5'-TATTCTTCAGCGGAAATAAGGAAACAGTTTACTCTCCCACCAAACCTTGGCCAGTACCAT[C>T]GACAGAGCATAAGTACCTCTGGCTTCCCCTCTCTTCAACTAGTAAGTATGAGTTCCAGGT-3'